The following is an entry in ClinVar:

ClinVar aggregate classification (germline): Uncertain significance. Review status: criteria provided, multiple submitters, no conflicts (2 of 4 stars). 10 submissions from 8 submitters: Uncertain significance (9). 1 of the submissions does not count toward it. Last evaluated 2025-08-14.

Conditions:
RYR1-related disorder. Also called: RYR1-related disorders; RYR1-related condition. Identifiers: MedGen CN239331.
Congenital myopathy. Identifiers: Orphanet 97245, MedGen C0270960, MONDO:0019952.
Congenital multicore myopathy with external ophthalmoplegia (CMYO1B). Also called: Minicore myopathy with external ophthalmoplegia; MULTIMINICORE DISEASE WITH EXTERNAL OPHTHALMOPLEGIA; MULTICORE MYOPATHY; Congenital myopathy 1B, autosomal recessive; Minicore myopathy. Identifiers: Orphanet 598, Orphanet 98905, MedGen C1850674, MONDO:0009712, OMIM 255320, HP:0003789.
Malignant hyperthermia, susceptibility to, 1 (MHS1). Also called: Anesthesia related hyperthermia; Malignant hyperpyrexia; Fulminating hyperpyrexia; Pharmacogenic myopathy; RYR1-Related Malignant Hyperthermia Susceptibility; Malignant hyperthermia suceptibility 1. Identifiers: Orphanet 423, MedGen C2930980, MONDO:0007783, OMIM 145600.
Central core myopathy (CMYO1A). Also called: CONGENITAL MYOPATHY 1A, AUTOSOMAL DOMINANT, WITH SUSCEPTIBILITY TO MALIGNANT HYPERTHERMIA; Central core disease; Myopathy, central fibrillar. Identifiers: Orphanet 597, MedGen C5830701, MONDO:0007294, OMIM 117000.

Allele frequency attached by ClinVar (database versions not stated): gnomAD exomes 0.00001 and 0.00002; ExAC 0.00003; gnomAD 0.00003 and 0.00004; TOPMed 0.00003; ESP Exome Variant Server 0.00008.

Submissions (10):

Labcorp Genetics (formerly Invitae), Labcorp
Classification: Uncertain significance for RYR1-related disorder. Last evaluated: 2025-08-14. Review status: criteria provided, single submitter. Criteria: Invitae Variant Classification Sherloc (09022015). Collection method: clinical testing. Allele origin: germline.
Comment: This sequence change replaces threonine, which is neutral and polar, with methionine, which is neutral and non-polar, at codon 4823 of the RYR1 protein (p.Thr4823Met). This variant is present in population databases (rs148540135, gnomAD 0.02%). This missense change has been observed in individual(s) with malignant hyperthermia (PMID: 31559918). ClinVar contains an entry for this variant (Variation ID: 161378). Invitae Evidence Modeling of protein sequence and biophysical properties (such as structural, functional, and spatial information, amino acid conservation, physicochemical variation, residue mobility, and thermodynamic stability) has been performed for this missense variant. However, the output from this modeling did not meet the statistical confidence thresholds required to predict the impact of this variant on RYR1 protein function. In summary, the available evidence is currently insufficient to determine the role of this variant in disease. Therefore, it has been classified as a Variant of Uncertain Significance.

Color Diagnostics, LLC DBA Color Health
Classification: Uncertain significance for Malignant hyperthermia, susceptibility to, 1. Last evaluated: 2025-06-24. Review status: criteria provided, single submitter. Criteria: ACMG Guidelines, 2015. Collection method: clinical testing. Allele origin: germline.
Comment: This missense variant replaces threonine with methionine at codon 4823 of the RYR1 protein. Computational prediction suggests that this variant may have deleterious impact on protein structure and function. This variant occurs in a region of the RYR1 protein that is considered to be a hotspot for pathogenic variants that contribute to malignant hyperthermia susceptibility (PMID: 21118704). To our knowledge, functional studies have not been reported for this variant. This variant has been reported in an individual suspected of having malignant hyperthermia susceptibility (PMID: 31559918). This variant has been identified in 7/282794 chromosomes in the general population by the Genome Aggregation Database (gnomAD). The available evidence is insufficient to determine the role of this variant in disease conclusively. Therefore, this variant is classified as a Variant of Uncertain Significance.

Revvity Omics, Revvity
Classification: Uncertain significance. Last evaluated: 2025-03-13. Review status: criteria provided, single submitter. Criteria: ACMG Guidelines, 2015. Collection method: clinical testing. Allele origin: germline.

All of Us Research Program, National Institutes of Health
Classification: Uncertain significance for Malignant hyperthermia, susceptibility to, 1. Last evaluated: 2023-06-15. Review status: criteria provided, single submitter. Criteria: ACMG Guidelines, 2015. Collection method: clinical testing. Allele origin: germline. Inheritance: Autosomal dominant inheritance. Observed: 1 variant allele, 1 heterozygote.
Comment: This study involves interpretation of variants in research participants for the purpose of population health screening. Participant phenotype was not available at the time of variant classification. Additional details can be found in publication PMID: 35346344, PMCID: PMC8962531

GeneDx
Classification: Uncertain significance. Last evaluated: 2022-12-30. Review status: criteria provided, single submitter. Criteria: GeneDx Variant Classification Process June 2021. Collection method: clinical testing. Allele origin: germline. Affected: yes.
Comment: In silico analysis supports that this missense variant has a deleterious effect on protein structure/function; Identified via exome sequencing in a cohort of individuals, although clinical information was not provided (Amendola LM et al., 2015); This variant is associated with the following publications: (PMID: 34426522, 20681998, 25637381)

PreventionGenetics, part of Exact Sciences
Classification: Uncertain significance. Last evaluated: 2017-10-20. Review status: criteria provided, single submitter. Criteria: ACMG Guidelines, 2015. Collection method: clinical testing. Allele origin: germline.

Illumina Laboratory Services, Illumina
Classification: Uncertain significance for Central core myopathy. Last evaluated: 2017-04-27. Review status: criteria provided, single submitter. Criteria: ICSL Variant Classification Criteria 13 December 2019. Collection method: clinical testing. Allele origin: germline.

Illumina Laboratory Services, Illumina
Classification: Uncertain significance for Congenital multicore myopathy with external ophthalmoplegia. Last evaluated: 2017-04-27. Review status: criteria provided, single submitter. Criteria: ICSL Variant Classification Criteria 13 December 2019. Collection method: clinical testing. Allele origin: germline.

Illumina Laboratory Services, Illumina
Classification: Uncertain significance for Malignant hyperthermia, susceptibility to, 1. Last evaluated: 2017-04-27. Review status: criteria provided, single submitter. Criteria: ICSL Variant Classification Criteria 13 December 2019. Collection method: clinical testing. Allele origin: germline.

CSER _CC_NCGL, University of Washington
Classification: Uncertain significance for Myopathy, congenital. Last evaluated: 2014-06-01. Review status: no assertion criteria provided. Collection method: research. Allele origin: germline. Inheritance: Autosomal dominant inheritance. Study: ESP 6500 variant annotation. Not counted in ClinVar's aggregate classification.
Comment: Variants classified for the Actionable exomic incidental findings in 6503 participants: challenges of variant classification manuscript

Literature cited by the submitters: PubMed 31559918 (cited by Labcorp Genetics (formerly Invitae), Labcorp and Color Diagnostics, LLC DBA Color Health); PubMed 21118704 (cited by Color Diagnostics, LLC DBA Color Health).

NM_000540.3(RYR1):c.14468C>T (p.Thr4823Met)

Gene: RYR1 (ryanodine receptor 1; plus strand). Cytogenetic location: 19q13.2.
Variant type: single nucleotide variant.
Coding change: c.14468C>T on transcript NM_000540.3 (MANE Select); coding-DNA position 14468, C replaced by T.
Protein change: p.Thr4823Met; replaces threonine 4823 with methionine.
Molecular consequence: missense variant.
Genome position (GRCh38, 1-based): chr19:38,580,085, C>T. VCF-style: chr19-38580085-C-T. GRCh37 (hg19) VCF-style: chr19-39070725-C-T.
Other names: c.14453C>T, p.Thr4818Met (NM_001042723.2); short protein forms T4823M, T4818M.
Identifiers: ClinVar variation 161378 (VCV000161378.11), dbSNP rs148540135, ClinGen allele CA024146.